The following is an entry in ClinVar:

ClinVar aggregate classification (germline): Likely benign (1 of 4 stars; one submission).

Allele frequency attached by ClinVar (database versions not stated): gnomAD 0.00001 and 0.00003; TOPMed 0.00001; ExAC 0.00002; gnomAD exomes 0.00002.
gnomAD v4.1: 36 of 1,614,088 alleles (0.0022%); highest among the groups gnomAD compares: East Asian, 0.078%; no homozygotes.

Submission:

GeneDx
Classification: Likely benign. Last evaluated: 2016-02-15. Review status: criteria provided, single submitter. Criteria: GeneDx Variant Classification (06012015). Collection method: clinical testing. Allele origin: germline. Affected: yes.
Comment: This variant is considered likely benign or benign based on one or more of the following criteria: it is a conservative change, it occurs at a poorly conserved position in the protein, it is predicted to be benign by multiple in silico algorithms, and/or has population frequency not consistent with disease.

NM_005518.4(HMGCS2):c.435C>T (p.Leu145=)

Gene: HMGCS2 (3-hydroxy-3-methylglutaryl-CoA synthase 2; minus strand). Cytogenetic location: 1p12.
Variant type: single nucleotide variant.
Coding change: c.435C>T on transcript NM_005518.4 (MANE Select); coding-DNA position 435, C replaced by T.
Protein change: p.Leu145=; no amino-acid change (leucine 145 retained).
Molecular consequence: synonymous variant.
Genome position (GRCh38, 1-based): chr1:119,764,296, G>A on the plus strand (C>T on the coding strand, the complement: HMGCS2 is on the minus strand). VCF-style: chr1-119764296-G-A. GRCh37 (hg19) VCF-style: chr1-120306919-G-A.
Other names: c.435C>T, p.Leu145= (NM_001166107.1).
Identifiers: ClinVar variation 382803 (VCV000382803.1), dbSNP rs759228303, ClinGen allele CA1037889.
Genomic context (GRCh38, chr1:119,764,296, plus strand): 5'-GGCATTGGTGGTATCTATGCCCTCAATATCAGTATTGCCTGAATCCTGGAAGAGTTCCAT[G>A]AGCACTGTTTTGACAGCTTTGGACTTGTCAATGATGGTCTCAGTGCCTACTTCCAGCCTG-3'
Protein context (NP_005509.1, residues 135-155): IDKSKAVKTV[Leu145=]MELFQDSGNT